The following is an entry in ClinVar:

ClinVar aggregate classification (germline): Pathogenic (1 of 4 stars; one submission).

Conditions:
Developmental and epileptic encephalopathy, 23 (DEE23). Also called: Epileptic encephalopathy, early infantile, 23. Identifiers: Orphanet 411986, MedGen C4014492, MONDO:0014371, OMIM 615859.

Submission:

Labcorp Genetics (formerly Invitae), Labcorp
Classification: Pathogenic for Developmental and epileptic encephalopathy, 23. Last evaluated: 2023-08-04. Review status: criteria provided, single submitter. Criteria: Invitae Variant Classification Sherloc (09022015). Collection method: clinical testing. Allele origin: germline.
Comment: For these reasons, this variant has been classified as Pathogenic. ClinVar contains an entry for this variant (Variation ID: 2054099). This variant has not been reported in the literature in individuals affected with DOCK7-related conditions. This variant is not present in population databases (gnomAD no frequency). This sequence change creates a premature translational stop signal (p.Ser1863Ilefs*18) in the DOCK7 gene. It is expected to result in an absent or disrupted protein product. Loss-of-function variants in DOCK7 are known to be pathogenic (PMID: 24814191).

Literature cited by the submitters: PubMed 24814191.

NM_001367561.1(DOCK7):c.5619dup (p.Ser1874fs)

Gene: DOCK7 (dedicator of cytokinesis 7; minus strand). Cytogenetic location: 1p31.3.
Variant type: Duplication.
Coding change: c.5619dup on transcript NM_001367561.1 (MANE Select); coding-DNA position 5619, one base duplicated (A; older notation c.5619dupA).
Protein change: p.Ser1874fs; shifts the reading frame from serine 1874.
Molecular consequence: frameshift variant.
Genome position (GRCh38, 1-based): chr1:62,477,715, T duplicated on the plus strand (A on the coding strand, the reverse complement: DOCK7 is on the minus strand). VCF-style (leftmost placement, unchanged base first): chr1-62477714-A-AT. GRCh37 (hg19) VCF-style: chr1-62943385-A-AT.
Other names: c.5586dup, p.Ser1863fs (NM_001271999.2); c.5499dup, p.Ser1834fs (NM_001272000.2); c.5493dup, p.Ser1832fs (NM_001272001.2); c.5592dup, p.Ser1865fs (NM_001330614.2); c.5526dup, p.Ser1843fs (NM_033407.4); short protein forms S1863fs, S1834fs, S1843fs, S1874fs, S1832fs, S1865fs.
Identifiers: ClinVar variation 2054099 (VCV002054099.4), dbSNP rs2523768622, ClinGen allele CA2580063111.